The following is an entry in ClinVar:

ClinVar aggregate classification (germline): Pathogenic (1 of 4 stars; one submission).

Submission:

GeneDx
Classification: Pathogenic. Last evaluated: 2019-02-25. Review status: criteria provided, single submitter. Criteria: GeneDx Variant Classification (06012015). Collection method: clinical testing. Allele origin: germline. Affected: yes.
Comment: The c.2458delG variant in the KIAA2022 gene has not been published as a pathogenic variant, nor has it been reported as a benign variant to our knowledge. The c.2458delG variant causes a frameshift starting with codon Aspartic acid 820, changes this amino acid to a Methionine residue and creates a premature Stop codon at position 89 of the new reading frame, denoted p.Asp820MetfsX89. This pathogenic variant is predicted to cause loss of normal protein function either through protein truncation or nonsense-mediated mRNA decay. The c.2458delG variant is not observed in large population cohorts (Lek et al., 2016). Therefore, c.2458delG is considered a pathogenic variant.

NM_001008537.3(NEXMIF):c.2458del (p.Asp820fs)

Gene: NEXMIF (neurite extension and migration factor; minus strand). Cytogenetic location: Xq13.3.
Variant type: Deletion.
Coding change: c.2458del on transcript NM_001008537.3 (MANE Select); coding-DNA position 2458, one base deleted (G; older notation c.2458delG).
Protein change: p.Asp820fs; shifts the reading frame from aspartic acid 820.
Molecular consequence: frameshift variant.
Genome position (GRCh38, 1-based): chrX:74,742,099, C deleted on the plus strand (G on the coding strand, the reverse complement: NEXMIF is on the minus strand). VCF-style (leftmost placement, unchanged base first): chrX-74742098-TC-T. GRCh37 (hg19) VCF-style: chrX-73961933-TC-T.
Other names: short protein forms D820fs.
Identifiers: ClinVar variation 818040 (VCV000818040.1), dbSNP rs1602211753, ClinGen allele CA915951285.